The following is an entry in ClinVar:

ClinVar aggregate classification (germline): Likely pathogenic (1 of 4 stars; one submission).

Conditions:
Hypercholesterolemia, familial, 4 (FHCL4). Also called: HYPERCHOLESTEROLEMIA, AUTOSOMAL RECESSIVE, 1; HYPERCHOLESTEROLEMIA, AUTOSOMAL RECESSIVE, 2. Identifiers: Orphanet 391665, MedGen C1863512, MONDO:0011374, OMIM 603813.

gnomAD v4.1: 2 of 1,612,566 alleles (0.00012%); no homozygotes.

Submission:

Labcorp Genetics (formerly Invitae), Labcorp
Classification: Likely pathogenic for Hypercholesterolemia, familial, 4. Last evaluated: 2021-12-18. Review status: criteria provided, single submitter. Criteria: Invitae Variant Classification Sherloc (09022015). Collection method: clinical testing. Allele origin: germline.
Comment: In summary, the currently available evidence indicates that the variant is pathogenic, but additional data are needed to prove that conclusively. Therefore, this variant has been classified as Likely Pathogenic. Algorithms developed to predict the effect of sequence changes on RNA splicing suggest that this variant may disrupt the consensus splice site. This variant has not been reported in the literature in individuals affected with LDLRAP1-related conditions. This variant is not present in population databases (gnomAD no frequency). This sequence change affects an acceptor splice site in intron 2 of the LDLRAP1 gene. It is expected to disrupt RNA splicing. Variants that disrupt the donor or acceptor splice site typically lead to a loss of protein function (PMID: 16199547), and loss-of-function variants in LDLRAP1 are known to be pathogenic (PMID: 11326085, 12464675).

Literature cited by the submitters: PubMed 16199547; PubMed 11326085; PubMed 12464675.

NM_015627.3(LDLRAP1):c.232-2A>G

Gene: LDLRAP1 (low density lipoprotein receptor adaptor protein 1; plus strand). Cytogenetic location: 1p36.11.
Variant type: single nucleotide variant.
Coding change: c.232-2A>G on transcript NM_015627.3 (MANE Select); the canonical splice acceptor site of the intron before coding-DNA position 232, A replaced by G.
Molecular consequence: splice acceptor variant.
Genome position (GRCh38, 1-based): chr1:25,554,858, A>G. VCF-style: chr1-25554858-A-G. GRCh37 (hg19) VCF-style: chr1-25881349-A-G.
Identifiers: ClinVar variation 2045810 (VCV002045810.4), dbSNP rs2044161691, ClinGen allele CA339077883.